The following is an entry in ClinVar:

ClinVar aggregate classification (germline): Uncertain significance (1 of 4 stars; one submission).

Submission:

Labcorp Genetics (formerly Invitae), Labcorp
Classification: Uncertain significance. Last evaluated: 2022-05-11. Review status: criteria provided, single submitter. Criteria: Invitae Variant Classification Sherloc (09022015). Collection method: clinical testing. Allele origin: germline.
Comment: In summary, the available evidence is currently insufficient to determine the role of this variant in disease. Therefore, it has been classified as a Variant of Uncertain Significance. Algorithms developed to predict the effect of missense changes on protein structure and function (SIFT, PolyPhen-2, Align-GVGD) all suggest that this variant is likely to be disruptive. This variant has not been reported in the literature in individuals affected with POLE-related conditions. This variant is not present in population databases (gnomAD no frequency). This sequence change replaces valine, which is neutral and non-polar, with aspartic acid, which is acidic and polar, at codon 246 of the POLE protein (p.Val246Asp).

NM_006231.4(POLE):c.737T>A (p.Val246Asp)

Gene: POLE (DNA polymerase epsilon, catalytic subunit; minus strand). Cytogenetic location: 12q24.33.
Variant type: single nucleotide variant.
Coding change: c.737T>A on transcript NM_006231.4 (MANE Select); coding-DNA position 737, T replaced by A.
Protein change: p.Val246Asp; replaces valine 246 with aspartic acid.
Molecular consequence: missense variant.
Genome position (GRCh38, 1-based): chr12:132,677,427, A>T on the plus strand (T>A on the coding strand, the complement: POLE is on the minus strand). VCF-style: chr12-132677427-A-T. GRCh37 (hg19) VCF-style: chr12-133254013-A-T.
Other names: short protein forms V246D.
Identifiers: ClinVar variation 2186769 (VCV002186769.4), dbSNP rs2136018798, ClinGen allele CA387364526.